The following is an entry in ClinVar:

NC_000002.11:g.(?_44184514)_(44190855_?)del

Gene: LRPPRC (leucine rich pentatricopeptide repeat containing; minus strand). Cytogenetic location: 2p21.
Variant type: Deletion.
Identifiers: ClinVar variation 2427207 (VCV002427207.4).

ClinVar aggregate classification (germline): Pathogenic (1 of 4 stars; one submission).

Submission:

Labcorp Genetics (formerly Invitae), Labcorp
Classification: Pathogenic. Last evaluated: 2022-06-08. Review status: criteria provided, single submitter. Criteria: Invitae Variant Classification Sherloc (09022015). Collection method: clinical testing. Allele origin: germline.
Comment: For these reasons, this variant has been classified as Pathogenic. This variant has not been reported in the literature in individuals affected with LRPPRC-related conditions. This variant is a gross deletion of the genomic region encompassing exon(s) 12-14 of the LRPPRC gene. This deletion is out-of-frame, and is expected to create a premature termination codon and result in an absent or disrupted protein product. Loss-of-function variants in LRPPRC are known to be pathogenic (PMID: 26510951).

Literature cited by the submitters: PubMed 26510951.